The following is an entry in ClinVar:

NM_152641.4(ARID2):c.1784A>T (p.His595Leu)

Gene: ARID2 (AT-rich interaction domain 2; plus strand). Cytogenetic location: 12q12.
Variant type: single nucleotide variant.
Coding change: c.1784A>T on transcript NM_152641.4 (MANE Select); coding-DNA position 1784, A replaced by T.
Protein change: p.His595Leu; replaces histidine 595 with leucine.
Molecular consequence: missense variant.
Genome position (GRCh38, 1-based): chr12:45,849,648, A>T. VCF-style: chr12-45849648-A-T. GRCh37 (hg19) VCF-style: chr12-46243431-A-T.
Other names: c.1784A>T, p.His595Leu (NM_001347839.2); short protein forms H595L.
Identifiers: ClinVar variation 4538719 (VCV004538719.1).

ClinVar aggregate classification (germline): Uncertain significance (1 of 4 stars; one submission).

Submission:

GeneDx
Classification: Uncertain significance. Last evaluated: 2025-06-20. Review status: criteria provided, single submitter. Criteria: GeneDx Variant Classification Process June 2021. Collection method: clinical testing. Allele origin: germline. Affected: yes.
Comment: Not observed at significant frequency in large population cohorts (gnomAD); In silico analysis suggests that this missense variant does not alter protein structure/function; Has not been previously published as pathogenic or benign to our knowledge